The following is an entry in ClinVar:

NM_001005373.4(LRSAM1):c.191C>T (p.Thr64Met)

Gene: LRSAM1 (leucine rich repeat and sterile alpha motif containing 1; plus strand). Cytogenetic location: 9q33.3.
Variant type: single nucleotide variant.
Coding change: c.191C>T on transcript NM_001005373.4 (MANE Select); coding-DNA position 191, C replaced by T.
Protein change: p.Thr64Met; replaces threonine 64 with methionine.
Molecular consequence: missense variant. On other transcripts: 5 prime UTR variant (1), non-coding transcript variant (2).
Genome position (GRCh38, 1-based): chr9:127,457,332, C>T. VCF-style: chr9-127457332-C-T. GRCh37 (hg19) VCF-style: chr9-130219611-C-T.
Other names: c.191C>T, p.Thr64Met (NM_001005374.4, NM_001190723.3, NM_001384142.1 and 2 more transcripts); c.-594C>T (NM_001384144.1); short protein forms T64M.
Identifiers: ClinVar variation 2967409 (VCV002967409.4), dbSNP rs1235352715, ClinGen allele CA374964251.

ClinVar aggregate classification (germline): Uncertain significance. Review status: criteria provided, multiple submitters, no conflicts (2 of 4 stars). 2 submissions from 2 submitters: Uncertain significance (2). Last evaluated 2026-08-01.

Conditions:
Charcot-Marie-Tooth disease axonal type 2P. Also called: CHARCOT-MARIE-TOOTH NEUROPATHY, TYPE 2P; Charcot-Marie-Tooth Neuropathy Type 2G; CHARCOT-MARIE-TOOTH DISEASE, AXONAL, TYPE 2G; CMT 2G. Identifiers: Orphanet 300319, Orphanet 99941, MedGen C3280797, MONDO:0013753, OMIM 614436.

Allele frequency attached by ClinVar (database versions not stated): gnomAD exomes 0.00001.
gnomAD v4.1: 15 of 1,614,176 alleles (0.00093%); highest among the groups gnomAD compares: South Asian, 0.0044%; no homozygotes.

Submissions (2):

CeGaT Center for Human Genetics Tuebingen
Classification: Uncertain significance. Last evaluated: 2026-08-01. Review status: criteria provided, single submitter. Criteria: CeGaT Center For Human Genetics Tuebingen Variant Classification Criteria Version 2. Collection method: clinical testing. Allele origin: germline. Affected: yes. Observed: 1 variant allele.
Comment: LRSAM1: PM2

Labcorp Genetics (formerly Invitae), Labcorp
Classification: Uncertain significance for Charcot-Marie-Tooth disease axonal type 2P. Last evaluated: 2022-12-13. Review status: criteria provided, single submitter. Criteria: Invitae Variant Classification Sherloc (09022015). Collection method: clinical testing. Allele origin: germline.
Comment: In summary, the available evidence is currently insufficient to determine the role of this variant in disease. Therefore, it has been classified as a Variant of Uncertain Significance. Advanced modeling of protein sequence and biophysical properties (such as structural, functional, and spatial information, amino acid conservation, physicochemical variation, residue mobility, and thermodynamic stability) has been performed at Invitae for this missense variant, however the output from this modeling did not meet the statistical confidence thresholds required to predict the impact of this variant on LRSAM1 protein function. This variant has not been reported in the literature in individuals affected with LRSAM1-related conditions. This variant is present in population databases (no rsID available, gnomAD 0.003%). This sequence change replaces threonine, which is neutral and polar, with methionine, which is neutral and non-polar, at codon 64 of the LRSAM1 protein (p.Thr64Met).